The following is an entry in ClinVar:

ClinVar aggregate classification (germline): Uncertain significance (1 of 4 stars; one submission).

Allele frequency attached by ClinVar (database versions not stated): gnomAD exomes below 0.00001; TOPMed below 0.00001.
gnomAD v4.1: 1 of 1,551,234 alleles (0.000064%); highest among the groups gnomAD compares: Non-Finnish European, 0.000087%; no homozygotes.

Submission:

Labcorp Genetics (formerly Invitae), Labcorp
Classification: Uncertain significance. Last evaluated: 2022-03-10. Review status: criteria provided, single submitter. Criteria: Invitae Variant Classification Sherloc (09022015). Collection method: clinical testing. Allele origin: germline.
Comment: This sequence change replaces serine, which is neutral and polar, with phenylalanine, which is neutral and non-polar, at codon 1580 of the EYS protein (p.Ser1580Phe). This variant is not present in population databases (gnomAD no frequency). This variant has not been reported in the literature in individuals affected with EYS-related conditions. ClinVar contains an entry for this variant (Variation ID: 956257). Algorithms developed to predict the effect of missense changes on protein structure and function are either unavailable or do not agree on the potential impact of this missense change (SIFT: "Deleterious"; PolyPhen-2: "Probably Damaging"; Align-GVGD: "Class C15"). In summary, the available evidence is currently insufficient to determine the role of this variant in disease. Therefore, it has been classified as a Variant of Uncertain Significance.

NM_001142800.2(EYS):c.4739C>T (p.Ser1580Phe)

Gene: EYS (eyes shut homolog; minus strand). Cytogenetic location: 6q12.
Variant type: single nucleotide variant.
Coding change: c.4739C>T on transcript NM_001142800.2 (MANE Select); coding-DNA position 4739, C replaced by T.
Protein change: p.Ser1580Phe; replaces serine 1580 with phenylalanine.
Molecular consequence: missense variant.
Genome position (GRCh38, 1-based): chr6:64,591,128, G>A on the plus strand (C>T on the coding strand, the complement: EYS is on the minus strand). VCF-style: chr6-64591128-G-A. GRCh37 (hg19) VCF-style: chr6-65301021-G-A.
Other names: c.4739C>T, p.Ser1580Phe (NM_001292009.2); short protein forms S1580F.
Identifiers: ClinVar variation 956257 (VCV000956257.7), dbSNP rs1766393484, ClinGen allele CA364782645.
Genomic context (GRCh38, chr6:64,591,128, plus strand): 5'-ATTAGTGCATACCAGCTGGCTAATATCGCTGAGTTCATCCAGAATGTCTCATAAAAGTGG[G>A]ACTGTTTGCTATGCAAAACTTGATCTGAGAATTCACGAGAGGATTTTATTTCAGTCATAG-3'
Protein context (NP_001136272.1, residues 1570-1590): FSDQVLHSKQ[Ser1580Phe]HFYETFWMNS